The following is an entry in ClinVar:

ClinVar aggregate classification (germline): Uncertain significance (1 of 4 stars; one submission).

Conditions:
Immunodeficiency 39 (IMD39). Identifiers: Orphanet 574918, MedGen C4225358, MONDO:0014597, OMIM 616345.

Submission:

Labcorp Genetics (formerly Invitae), Labcorp
Classification: Uncertain significance for Immunodeficiency 39. Last evaluated: 2023-01-24. Review status: criteria provided, single submitter. Criteria: Invitae Variant Classification Sherloc (09022015). Collection method: clinical testing. Allele origin: germline.
Comment: In summary, the available evidence is currently insufficient to determine the role of this variant in disease. Therefore, it has been classified as a Variant of Uncertain Significance. Algorithms developed to predict the effect of missense changes on protein structure and function are either unavailable or do not agree on the potential impact of this missense change (SIFT: "Tolerated"; PolyPhen-2: "Possibly Damaging"; Align-GVGD: "Class C0"). This variant has not been reported in the literature in individuals affected with IRF7-related conditions. This variant is not present in population databases (gnomAD no frequency). This sequence change replaces glycine, which is neutral and non-polar, with serine, which is neutral and polar, at codon 165 of the IRF7 protein (p.Gly165Ser).

NM_001572.5(IRF7):c.454G>A (p.Gly152Ser)

Gene: IRF7 (interferon regulatory factor 7; minus strand). Cytogenetic location: 11p15.5.
Variant type: single nucleotide variant.
Coding change: c.454G>A on transcript NM_001572.5 (MANE Select); coding-DNA position 454, G replaced by A.
Protein change: p.Gly152Ser; replaces glycine 152 with serine.
Molecular consequence: missense variant.
Genome position (GRCh38, 1-based): chr11:614,399, C>T on the plus strand (G>A on the coding strand, the complement: IRF7 is on the minus strand). VCF-style: chr11-614399-C-T. GRCh37 (hg19) VCF-style: chr11-614399-C-T.
Other names: c.454G>A, p.Gly152Ser (NM_004029.4); c.493G>A, p.Gly165Ser (NM_004031.4); short protein forms G165S, G152S.
Identifiers: ClinVar variation 2166176 (VCV002166176.4), dbSNP rs2493929654, ClinGen allele CA378982440.